The following is an entry in ClinVar:

NM_000088.4(COL1A1):c.3452G>T (p.Gly1151Val)

Gene: COL1A1 (collagen type I alpha 1 chain; minus strand). Cytogenetic location: 17q21.33.
Variant type: single nucleotide variant.
Coding change: c.3452G>T on transcript NM_000088.4 (MANE Select); coding-DNA position 3452, G replaced by T.
Protein change: p.Gly1151Val; replaces glycine 1151 with valine.
Molecular consequence: missense variant.
Genome position (GRCh38, 1-based): chr17:50,187,094, C>A on the plus strand (G>T on the coding strand, the complement: COL1A1 is on the minus strand). VCF-style: chr17-50187094-C-A. GRCh37 (hg19) VCF-style: chr17-48264455-C-A.
Other names: G973V; short protein forms G1151V.
Identifiers: ClinVar variation 17318 (VCV000017318.2), dbSNP rs72656321, ClinGen allele CA257878.
Genomic context (GRCh38, chr17:50,187,094, plus strand): 5'-GTGCGACCGCGAGGACCAGGGGGCCCAATGGGGCCAGGGAGACCGTTGAGTCCATCTTTG[C>A]CAGGAGCACCAGCAGAGCCAGGGGGACCCTGGAGTGGGGGAAATGGTTTGAGAAAGGCTG-3'
Protein context (NP_000079.2, residues 1141-1161): RGPPGSAGAP[Gly1151Val]KDGLNGLPGP

ClinVar aggregate classification (germline): Pathogenic. Review status: criteria provided, single submitter (1 of 4 stars). 2 submissions from 2 submitters: Pathogenic (1). 1 of the submissions does not count toward it. Last evaluated 2018-05-15.

Conditions:
Osteogenesis imperfecta, perinatal lethal (OI2). Also called: Osteogenesis imperfecta type 2; Osteogenesis imperfecta, dominant perinatal lethal; VROLIK TYPE OF OSTEOGENESIS IMPERFECTA; OI, TYPE II; OSTEOGENESIS IMPERFECTA CONGENITA; OSTEOGENESIS IMPERFECTA, TYPE II. Identifiers: Orphanet 216804, MedGen C0268358, MONDO:0008147, OMIM 166210.

Submissions (2):

GeneDx
Classification: Pathogenic. Last evaluated: 2018-05-15. Review status: criteria provided, single submitter. Criteria: GeneDx Variant Classification (06012015). Collection method: clinical testing. Allele origin: germline. Affected: yes.
Comment: The G1151V missense variant in the COL1A1 gene has been reported previously in association with lethal perinatal osteogenesis imperfecta (Lamande SR et al. 1989). G1151V occurs in the triple helical domain and replaces the Glycine in the canonical Gly-X-Y repeat. Variants in these Glycines result in poor winding of the collagen triple helix and a less functional protein. The G1151V variant is not observed in the gnomAD dataset (Lek et al., 2016). G1151V is a conservative amino acid substitution, which is not likely to impact secondary protein structure as these residues share similar properties. In-silico analyses, including protein predictors and evolutionary conservation, support a deleterious effect. Missense variants in the same (G1151S) and nearby Glycine residues (G1145D and G1154R) have been reported in the Human Gene Mutation Database in association with osteogenesis imperfecta (Stenson et al., 2014), supporting the functional importance of this region of the protein. Therefore, this pathogenic variant is consistent with a molecular diagnosis of osteogenesis imperfecta.

OMIM
Classification: Pathogenic for OSTEOGENESIS IMPERFECTA, TYPE IIA. Last evaluated: 1992-02-01. Review status: no assertion criteria provided. Collection method: literature only. Allele origin: germline. Not counted in ClinVar's aggregate classification.

Literature cited by the submitters: PubMed 1613761 (cited by OMIM).